The following is an entry in ClinVar:

ClinVar aggregate classification (germline): Pathogenic (1 of 4 stars; one submission).

Submission:

Labcorp Genetics (formerly Invitae), Labcorp
Classification: Pathogenic. Last evaluated: 2021-05-07. Review status: criteria provided, single submitter. Criteria: Invitae Variant Classification Sherloc (09022015). Collection method: clinical testing. Allele origin: germline.
Comment: For these reasons, this variant has been classified as Pathogenic. This variant has not been reported in the literature in individuals with ZMYM2-related conditions. This variant is not present in population databases (ExAC no frequency). This sequence change creates a premature translational stop signal (p.His365Glnfs*16) in the ZMYM2 gene. It is expected to result in an absent or disrupted protein product. Loss-of-function variants in ZMYM2 are known to be pathogenic (PMID: 32891193).

Literature cited by the submitters: PubMed 32891193.

NM_197968.4(ZMYM2):c.1095del (p.His365fs)

Gene: ZMYM2 (zinc finger MYM-type containing 2; plus strand). Cytogenetic location: 13q12.11.
Variant type: Deletion.
Coding change: c.1095del on transcript NM_197968.4 (MANE Select); coding-DNA position 1095, one base deleted (C; older notation c.1095delC).
Protein change: p.His365fs; shifts the reading frame from histidine 365.
Molecular consequence: frameshift variant. On other transcripts: non-coding transcript variant (1).
Genome position (GRCh38, 1-based): chr13:20,003,097, C deleted. VCF-style (leftmost placement, unchanged base first): chr13-20003096-AC-A. GRCh37 (hg19) VCF-style: chr13-20577236-AC-A.
Other names: c.1095del, p.His365fs (NM_001190964.4, NM_001190965.4, NM_001353157.2 and 5 more transcripts); c.900del, p.His300fs (NM_001353161.3); c.834del, p.His278fs (NM_001353163.2); short protein forms H365fs, H300fs, H278fs.
Identifiers: ClinVar variation 1373966 (VCV001373966.6), dbSNP rs2139912590, ClinGen allele CA2573149155.